The following is an entry in ClinVar:

ClinVar aggregate classification (germline): Pathogenic/Likely pathogenic. Review status: criteria provided, multiple submitters, no conflicts (2 of 4 stars). 19 submissions from 19 submitters: Pathogenic (11); Likely pathogenic (4). 4 of the submissions do not count toward it. Last evaluated 2026-08-01.

Conditions:
Hematuria, benign familial, 1 (BFH1). Also called: THIN MEMBRANE NEPHROPATHY. Identifiers: MedGen CN376803, MONDO:0007709, OMIM 141200.
Autosomal dominant Alport syndrome (ATS3A). Also called: Alport syndrome dominant type; Renal failure and sensorineural hearing loss; ALPORT SYNDROME 3A, AUTOSOMAL DOMINANT. Identifiers: Orphanet 63, Orphanet 88918, MedGen C5882663, MONDO:0007086, OMIM 104200.
COL4A4-related disorder.
Autosomal recessive Alport syndrome (ATS2). Also called: COL4A4 Alport Syndrome and Thin Basement Membrane Nephropathy; ALPORT SYNDROME 2, AUTOSOMAL RECESSIVE; COL4A3-Related Nephropathy; Alport syndrome type 2. Identifiers: Orphanet 63, Orphanet 88919, MedGen C4746745, MONDO:0008762, OMIM 203780.
Alport syndrome. Also called: Hemorrhagic familial nephritis; Hemorrhagic hereditary nephritis; Congenital hereditary hematuria. Identifiers: Orphanet 63, MedGen C1567741, MONDO:0018965.
Benign familial hematuria. Also called: thin basement membrane disease. Identifiers: MedGen C0241908, MONDO:0957317.
Hematuria. Identifiers: MedGen C0018965, HP:0000790.

Allele frequency attached by ClinVar (database versions not stated): gnomAD 0.00001; gnomAD exomes below 0.00001; TOPMed below 0.00001.
gnomAD v4.1: 4 of 1,613,844 alleles (0.00025%); highest among the groups gnomAD compares: Non-Finnish European, 0.00034%; no homozygotes.

Submissions 1 to 10 of 19:

CeGaT Center for Human Genetics Tuebingen
Classification: Pathogenic. Last evaluated: 2026-08-01. Review status: criteria provided, single submitter. Criteria: CeGaT Center For Human Genetics Tuebingen Variant Classification Criteria Version 2. Collection method: clinical testing. Allele origin: germline. Affected: yes. Observed: 1 variant allele.
Comment: COL4A4: PP1:Strong, PS4, PM1, PM2

Centre de Génétique Humaine, Institut de Pathologie Et de Génétique
Classification: Pathogenic for Hematuria, benign familial, 1; Autosomal dominant Alport syndrome. Last evaluated: 2026-05-08. Review status: criteria provided, single submitter. Criteria: ACMG Guidelines, 2015. Collection method: clinical testing. Allele origin: germline, paternal. Inheritance: Autosomal dominant inheritance. Affected: yes. Observed: 3 variant alleles, 3 heterozygotes. Clinical features observed: Microscopic hematuria (HP:0002907), Severe albuminuria (HP:0033066), Hypertensive disorder (HP:0000822), Stage 5 chronic kidney disease (HP:0003774). Segregation with disease observed.
Comment: This missense variant involves a highly conserved glycine located in a ‘Gly-X-Y’ motif in collagenous region, which is characteristic of the pathogenic variants identified in the COL4A4 gene (PM1,PP2). This variant is rare: allelic frequency of 0.00025% in gnomAD v4.1.0 database (PM2). Another missense variant affecting the same residue described as LP, c.2690G>A, p.Gly897Arg, PMID: 36130833 (PM5). In silico analysis supports that this missense variant has a deleterious effect (PP3). Described as LP/P in patients with AR/AD AS, HFB and TBMN (PP5). Cosegregation with disease in multiple affected member of one family, PMID: 8787673 (PP1)

Genetics Laboratory, Great Ormond Street Hospital NHS Foundation Trust, North Thames Genomic Laboratory Hub
Classification: Pathogenic for Haematuria. Last evaluated: 2026-04-29. Review status: criteria provided, single submitter. Criteria: ACGS Best Practice Guidelines for Variant Classification in Rare Disease 2024 v1.2. Collection method: clinical testing. Allele origin: germline. Affected: yes.
Comment: PS4_strong, PM2_moderate, PP3_supporting, PM1_strong

PreventionGenetics, part of Exact Sciences
Classification: Pathogenic for COL4A4-related condition. Last evaluated: 2026-03-31. Review status: criteria provided, single submitter. Criteria: ACMG Guidelines, 2015. Collection method: clinical testing. Allele origin: germline.
Comment: The COL4A4 c.2690G>A variant is predicted to result in the amino acid substitution p.Gly897Glu. This variant has been reported in individuals with Alport syndrome (see for example, Table 2. Weber et al. 2016. PubMed ID: 26809805). This variant has not been reported in a large population database (gnomAD), indicating this variant is rare. The amino acid p.Gly897 resides within the triple helical domain of the COL4A4 protein (amino acids 57-1451). Glycine substitutions within this domain affect the folding and secretion of type VII collagen, and pathogenic variants altering glycine residues have been reported in individuals with COL4A4-related disorders (Hudson et al. 1993. PubMed ID: 8253711). This variant is interpreted as pathogenic.

Natera, Inc.
Classification: Likely pathogenic for Alport syndrome. Last evaluated: 2025-09-18. Review status: criteria provided, single submitter. Criteria: Natera Variant Classification Schema (03/2026). Collection method: clinical testing. Allele origin: germline.
Comment: The c.2690G>A variant in COL4A4 is a missense variant predicted to cause substitution of glycine to glutamic acid at amino acid 897. This variant is rare in the general population with a frequency below the threshold expected for the associated phenotype(s). This variant has been observed in affected individual(s) with monoallelic occurrence (heterozygous/hemizygous) (PMID: 37097554, 8787673, 36117978). This variant is located in a functionally critical region of the protein. Computational prediction algorithms indicate this variant is likely to affect gene or protein function. Given the available evidence, this variant is classified as Likely Pathogenic.

First Genomix Gene Laboratory, Genetic Diagnostics Department
Classification: Pathogenic for Autosomal recessive Alport syndrome. Last evaluated: 2025-09-08. Review status: criteria provided, single submitter. Criteria: ACMG Guidelines, 2015. Collection method: clinical testing. Allele origin: germline. Inheritance: Autosomal recessive inheritance. Affected: no. Observed: 1 variant allele.

Labcorp Genetics (formerly Invitae), Labcorp
Classification: Pathogenic. Last evaluated: 2025-02-27. Review status: criteria provided, single submitter. Criteria: Invitae Variant Classification Sherloc (09022015). Collection method: clinical testing. Allele origin: germline.
Comment: This sequence change replaces glycine, which is neutral and non-polar, with glutamic acid, which is acidic and polar, at codon 897 of the COL4A4 protein (p.Gly897Glu). This variant is not present in population databases (gnomAD no frequency). This missense change has been observed in individuals with clinical features of Alport syndrome (PMID: 8787673, 26809805). It has also been observed to segregate with disease in related individuals. ClinVar contains an entry for this variant (Variation ID: 17406). Invitae Evidence Modeling of protein sequence and biophysical properties (such as structural, functional, and spatial information, amino acid conservation, physicochemical variation, residue mobility, and thermodynamic stability) indicates that this missense variant is expected to disrupt COL4A4 protein function with a positive predictive value of 95%. For these reasons, this variant has been classified as Pathogenic.

GeneDx
Classification: Pathogenic. Last evaluated: 2024-12-19. Review status: criteria provided, single submitter. Criteria: GeneDx Variant Classification Process June 2021. Collection method: clinical testing. Allele origin: germline.
Comment: Affects a glycine residue in a Gly-X-Y motif in the triple helical region of the COL4A4 gene, where the majority of pathogenic missense variants occur, and is predicted to disrupt normal protein folding and function (HGMD; PMID: 10752524); Not observed at significant frequency in large population cohorts (gnomAD); In silico analysis supports that this missense variant has a deleterious effect on protein structure/function; This variant is associated with the following publications: (PMID: 10074584, 11961012, 10460935, 31589614, 10752524, 38388140, 36925663, 15280517, 8787673, 14582039, 26809805, 37097554, 36117978)

MVZ Medizinische Genetik Mainz
Classification: Pathogenic for Autosomal recessive Alport syndrome. Last evaluated: 2024-11-12. Review status: criteria provided, single submitter. Criteria: UK Practice Guidelines For Variant Classification V4 01 2020. Collection method: clinical testing. Allele origin: germline. Inheritance: Autosomal dominant inheritance. Affected: yes. Observed: 1 variant allele.
Comment: ACMG Criteria: PS4,PM1_STR,PM2_SUP,PP3,PP4

Genetic Services Laboratory, University of Chicago
Classification: Pathogenic. Last evaluated: 2024-09-19. Review status: criteria provided, single submitter. Criteria: ACMG Guidelines, 2015. Collection method: clinical testing. Allele origin: germline. Affected: yes.
Comment: DNA sequence analysis of the COL4A4 gene demonstrated a sequence change, c.2690G>A, in exon 30 that results in an amino acid change, p.Gly897Glu. The p.Gly897Glu change affects a highly conserved amino acid residue located in a domain of the COL4A4 protein that is known to be critical for the normal protein function. The p.Gly897Glu substitution appears to be deleterious using several in-silico pathogenicity prediction tools (SIFT, PolyPhen2, Align GVGD, REVEL). This sequence change in the heterozygous state has been reported in several individuals from a family with benign familial hematuria and has been found to segregate with the disease within that family (PMID: 8787673). This sequence change has been described in the gnomAD database (version 4) in 4 individual in the heterozygous state which corresponds to a population frequency of 0.00025% (dbSNP rs121912860). A different sequence change affecting the same amino acid residue (p.Gly897Arg) has been described in an individual with IgA nephropathy with thinned glomerular basement membrane lesions (PMID: 36130833). These collective evidences indicate that this sequence change is pathogenic, however functional studies have not been performed to prove this conclusively.

NM_000092.5(COL4A4):c.2690G>A (p.Gly897Glu)

Gene: COL4A4 (collagen type IV alpha 4 chain; minus strand). Cytogenetic location: 2q36.3.
Variant type: single nucleotide variant.
Coding change: c.2690G>A on transcript NM_000092.5 (MANE Select); coding-DNA position 2690, G replaced by A.
Protein change: p.Gly897Glu; replaces glycine 897 with glutamic acid.
Molecular consequence: missense variant.
Genome position (GRCh38, 1-based): chr2:227,055,971, C>T on the plus strand (G>A on the coding strand, the complement: COL4A4 is on the minus strand). VCF-style: chr2-227055971-C-T. GRCh37 (hg19) VCF-style: chr2-227920687-C-T.
Other names: p.(Gly897Glu); short protein forms G897E.
Identifiers: ClinVar variation 17406 (VCV000017406.34), dbSNP rs121912860, ClinGen allele CA127186.